The following is an entry in ClinVar:

NM_005677.4(COLQ):c.970A>C (p.Asn324His)

Gene: COLQ (collagen like tail subunit of asymmetric acetylcholinesterase; minus strand). Cytogenetic location: 3p25.1.
Variant type: single nucleotide variant.
Coding change: c.970A>C on transcript NM_005677.4 (MANE Select); coding-DNA position 970, A replaced by C.
Protein change: p.Asn324His; replaces asparagine 324 with histidine.
Molecular consequence: missense variant.
Genome position (GRCh38, 1-based): chr3:15,456,564, T>G on the plus strand (A>C on the coding strand, the complement: COLQ is on the minus strand). VCF-style: chr3-15456564-T-G. GRCh37 (hg19) VCF-style: chr3-15498071-T-G.
Other names: c.940A>C, p.Asn314His (NM_080538.2); c.868A>C, p.Asn290His (NM_080539.4); short protein forms N324H, N290H, N314H.
Identifiers: ClinVar variation 577824 (VCV000577824.8), dbSNP rs201036462, ClinGen allele CA70601938.

ClinVar aggregate classification (germline): Uncertain significance (1 of 4 stars; one submission).

Conditions:
Congenital myasthenic syndrome 5. Identifiers: Orphanet 590, MedGen C1864233, MONDO:0011281, OMIM 603034.

Allele frequency attached by ClinVar (database versions not stated): gnomAD exomes below 0.00001.
gnomAD v4.1: 1 of 1,614,132 alleles (0.000062%); highest among the groups gnomAD compares: Non-Finnish European, 0.000085%; no homozygotes.

Submission:

Labcorp Genetics (formerly Invitae), Labcorp
Classification: Uncertain significance for Congenital myasthenic syndrome 5. Last evaluated: 2022-06-04. Review status: criteria provided, single submitter. Criteria: Invitae Variant Classification Sherloc (09022015). Collection method: clinical testing. Allele origin: germline.
Comment: Algorithms developed to predict the effect of missense changes on protein structure and function are either unavailable or do not agree on the potential impact of this missense change (SIFT: "Deleterious"; PolyPhen-2: "Not Available"; Align-GVGD: "Class C0"). In summary, the available evidence is currently insufficient to determine the role of this variant in disease. Therefore, it has been classified as a Variant of Uncertain Significance. ClinVar contains an entry for this variant (Variation ID: 577824). This variant has not been reported in the literature in individuals affected with COLQ-related conditions. This variant is present in population databases (rs201036462, gnomAD 0.0009%). This sequence change replaces asparagine, which is neutral and polar, with histidine, which is basic and polar, at codon 324 of the COLQ protein (p.Asn324His).